The following is an entry in ClinVar:

NM_001080414.4(CCDC88C):c.3304G>A (p.Ala1102Thr)

Gene: CCDC88C (coiled-coil and HOOK domain protein 88C; minus strand). Cytogenetic location: 14q32.11.
Variant type: single nucleotide variant.
Coding change: c.3304G>A on transcript NM_001080414.4 (MANE Select); coding-DNA position 3304, G replaced by A.
Protein change: p.Ala1102Thr; replaces alanine 1102 with threonine.
Molecular consequence: missense variant.
Genome position (GRCh38, 1-based): chr14:91,305,818, C>T on the plus strand (G>A on the coding strand, the complement: CCDC88C is on the minus strand). VCF-style: chr14-91305818-C-T. GRCh37 (hg19) VCF-style: chr14-91772162-C-T.
Other names: c.3304G>A (NM_001080414.3); short protein forms A1102T.
Identifiers: ClinVar variation 2198097 (VCV002198097.3), dbSNP rs1259227524, ClinGen allele CA390623190.

ClinVar aggregate classification (germline): Uncertain significance. Review status: criteria provided, multiple submitters, no conflicts (2 of 4 stars). 2 submissions from 2 submitters: Uncertain significance (2). Last evaluated 2025-07-11.

Conditions:
Inborn genetic diseases. Identifiers: MedGen C0950123, MeSH D030342.

Allele frequency attached by ClinVar (database versions not stated): gnomAD 0.00001; gnomAD exomes 0.00002; TOPMed 0.00002.
gnomAD v4.1: 27 of 1,613,688 alleles (0.0017%); highest among the groups gnomAD compares: Non-Finnish European, 0.002%; no homozygotes.

Submissions (2):

Ambry Genetics
Classification: Uncertain significance for Inborn genetic diseases. Last evaluated: 2025-07-11. Review status: criteria provided, single submitter. Criteria: Ambry Variant Classification Scheme 2023. Collection method: clinical testing. Allele origin: germline.

Labcorp Genetics (formerly Invitae), Labcorp
Classification: Uncertain significance. Last evaluated: 2024-10-25. Review status: criteria provided, single submitter. Criteria: Invitae Variant Classification Sherloc (09022015). Collection method: clinical testing. Allele origin: germline.
Comment: This sequence change replaces alanine, which is neutral and non-polar, with threonine, which is neutral and polar, at codon 1102 of the CCDC88C protein (p.Ala1102Thr). This variant is present in population databases (no rsID available, gnomAD 0.004%). This variant has not been reported in the literature in individuals affected with CCDC88C-related conditions. ClinVar contains an entry for this variant (Variation ID: 2198097). An algorithm developed to predict the effect of missense changes on protein structure and function outputs the following: PolyPhen-2: "Benign". The threonine amino acid residue is found in multiple mammalian species, which suggests that this missense change does not adversely affect protein function. In summary, the available evidence is currently insufficient to determine the role of this variant in disease. Therefore, it has been classified as a Variant of Uncertain Significance.